The following is an entry in ClinVar:

ClinVar aggregate classification (germline): Likely benign. Review status: criteria provided, multiple submitters, no conflicts (2 of 4 stars). 3 submissions from 3 submitters: Likely benign (2). 1 of the submissions does not count toward it. Last evaluated 2025-10-03.

Conditions:
Glycogen storage disease, type VI (GSD6). Also called: Glycogen storage disease type 6; Hepatic glycogen phosphorylase deficiency; Glycogen storage disease type 6, due to phosphorylation; GSD VI; HERS DISEASE; PHOSPHORYLASE DEFICIENCY GLYCOGEN-STORAGE DISEASE OF LIVER. Identifiers: Orphanet 369, MedGen C0017925, MONDO:0009294, OMIM 232700.
PYGL-related disorder. Also called: PYGL-related condition.

Allele frequency attached by ClinVar (database versions not stated): gnomAD exomes 0.00008 and 0.00010; TOPMed 0.00009; ExAC 0.00011; gnomAD 0.00012 and 0.00014.

Submissions (3):

Labcorp Genetics (formerly Invitae), Labcorp
Classification: Likely benign for Glycogen storage disease, type VI. Last evaluated: 2025-10-03. Review status: criteria provided, single submitter. Criteria: Invitae Variant Classification Sherloc (09022015). Collection method: clinical testing. Allele origin: germline.

Mayo Clinic Laboratories, Mayo Clinic
Classification: Likely benign. Last evaluated: 2025-06-06. Review status: criteria provided, single submitter. Criteria: ACMG Guidelines, 2015. Collection method: clinical testing. Allele origin: germline. Observed: 1 variant allele.
Comment: BP4, BP7

PreventionGenetics, part of Exact Sciences
Classification: Likely benign for PYGL-related condition. Last evaluated: 2022-10-21. Review status: no assertion criteria provided. Collection method: clinical testing. Allele origin: germline. Not counted in ClinVar's aggregate classification.
Comment: This variant is classified as likely benign based on ACMG/AMP sequence variant interpretation guidelines (Richards et al. 2015 PMID: 25741868, with internal and published modifications).

NM_002863.5(PYGL):c.1629G>A (p.Lys543=)

Gene: PYGL (glycogen phosphorylase L; minus strand). Cytogenetic location: 14q22.1.
Variant type: single nucleotide variant.
Coding change: c.1629G>A on transcript NM_002863.5 (MANE Select); coding-DNA position 1629, G replaced by A.
Protein change: p.Lys543=; no amino-acid change (lysine 543 retained).
Molecular consequence: synonymous variant.
Genome position (GRCh38, 1-based): chr14:50,912,295, C>T on the plus strand (G>A on the coding strand, the complement: PYGL is on the minus strand). VCF-style: chr14-50912295-C-T. GRCh37 (hg19) VCF-style: chr14-51379013-C-T.
Other names: p.Lys543=; c.1527G>A, p.Lys509= (NM_001163940.2); c.1629G>A (NM_002863.4).
Identifiers: ClinVar variation 1147895 (VCV001147895.12), dbSNP rs774872592, ClinGen allele CA7183391.